The following is an entry in ClinVar:

NM_000059.4(BRCA2):c.6842-1G>T

Gene: BRCA2 (BRCA2 DNA repair associated; plus strand). Cytogenetic location: 13q13.1.
Variant type: single nucleotide variant.
Coding change: c.6842-1G>T on transcript NM_000059.4 (MANE Select); the canonical splice acceptor site of the intron before coding-DNA position 6842, G replaced by T.
Molecular consequence: splice acceptor variant. On other transcripts: intron variant (1).
Genome position (GRCh38, 1-based): chr13:32,344,557, G>T. VCF-style: chr13-32344557-G-T. GRCh37 (hg19) VCF-style: chr13-32918694-G-T.
Other names: c.6842-1G>T (NM_001406720.1); c.6842-2270G>T (NM_001406719.1); c.1910-1G>T (NM_001406721.1); c.425-1G>T (NM_001406722.1).
Identifiers: ClinVar variation 230411 (VCV000230411.6), dbSNP rs876658551, ClinGen allele CA10579713.

ClinVar aggregate classification (germline): Uncertain significance (1 of 4 stars; one submission).

Conditions:
Hereditary cancer-predisposing syndrome. Also called: Neoplastic Syndromes, Hereditary; Hereditary Cancer Syndrome; Tumor predisposition; Hereditary neoplastic syndrome. Identifiers: Orphanet 140162, MedGen C0027672, MeSH D009386, MONDO:0015356.

Submission:

Ambry Genetics
Classification: Uncertain significance for Hereditary cancer-predisposing syndrome. Last evaluated: 2026-05-11. Review status: criteria provided, single submitter. Criteria: Ambry Variant Classification Scheme 2023. Collection method: clinical testing. Allele origin: germline.
Comment: The c.6842-1G>T intronic variant results from a G to T substitution one nucleotide upstream from coding exon 11 of the BRCA2 gene. Alterations that disrupt the canonical splice site are expected to cause aberrant splicing, resulting in an abnormal protein or a transcript that is subject to nonsense-mediated mRNA decay; however, this alteration occurs at a splice junction that is located at a naturally occurring, alternatively spliced exon (ENIGMA Splicing Working group, unpublished data).Coding exon 11 was found to be clinically dispensable, as a different variant that causes coding exon 11 skipping (BRCA2 c.6853A>G; designated as 7081A>G by the authors) was found in trans with a pathogenic BRCA2 founder mutation (BRCA2 c.5946delT, designated as 6174delT by the authors) in an individual without Fanconi Anemia (Li L et al. Hum. Mutat., 2009 Nov;30:1543-50). This nucleotide position is highly conserved in available vertebrate species. In silico splice site analysis predicts that this alteration will weaken the native splice acceptor site. Based on the available evidence, the clinical significance of this variant remains unclear.

Literature cited by the submitters: PubMed 19795481.